The following is an entry in ClinVar:

ClinVar aggregate classification (germline): Uncertain significance (1 of 4 stars; one submission).

gnomAD v4.1: 14 of 1,614,094 alleles (0.00087%); highest among the groups gnomAD compares: African/African-American, 0.019%; no homozygotes.

Submission:

Labcorp Genetics (formerly Invitae), Labcorp
Classification: Uncertain significance. Last evaluated: 2025-06-13. Review status: criteria provided, single submitter. Criteria: Invitae Variant Classification Sherloc (09022015). Collection method: clinical testing. Allele origin: germline.
Comment: This sequence change replaces leucine, which is neutral and non-polar, with arginine, which is basic and polar, at codon 366 of the GHR protein (p.Leu366Arg). This variant is present in population databases (rs201777830, gnomAD 0.02%). This variant has not been reported in the literature in individuals affected with GHR-related conditions. ClinVar contains an entry for this variant (Variation ID: 3628175). Invitae Evidence Modeling of protein sequence and biophysical properties (such as structural, functional, and spatial information, amino acid conservation, physicochemical variation, residue mobility, and thermodynamic stability) indicates that this missense variant is not expected to disrupt GHR protein function with a negative predictive value of 80%. In summary, the available evidence is currently insufficient to determine the role of this variant in disease. Therefore, it has been classified as a Variant of Uncertain Significance.

NM_000163.5(GHR):c.1097T>G (p.Leu366Arg)

Gene: GHR (growth hormone receptor; plus strand). Cytogenetic location: 5p12.
Variant type: single nucleotide variant.
Coding change: c.1097T>G on transcript NM_000163.5 (MANE Select); coding-DNA position 1097, T replaced by G.
Protein change: p.Leu366Arg; replaces leucine 366 with arginine.
Molecular consequence: missense variant. On other transcripts: 3 prime UTR variant (1).
Genome position (GRCh38, 1-based): chr5:42,718,604, T>G. VCF-style: chr5-42718604-T-G. GRCh37 (hg19) VCF-style: chr5-42718706-T-G.
Other names: c.1118T>G, p.Leu373Arg (NM_001242399.2); c.1097T>G, p.Leu366Arg (NM_001242400.2, NM_001242401.4, NM_001242402.2 and 4 more transcripts); c.1031T>G, p.Leu344Arg (NM_001242460.2); c.*139T>G (NM_001242462.1); short protein forms L344R, L366R, L373R.
Identifiers: ClinVar variation 3628175 (VCV003628175.2).
Genomic context (GRCh38, chr5:42,718,604, plus strand): 5'-TTGAGCTAGATATTGATGAGCCAGATGAAAAGACTGAGGAATCAGACACAGACAGACTTC[T>G]AAGCAGTGACCATGAGAAATCACATAGTAACCTAGGGGTGAAGGATGGCGACTCTGGACG-3'
Protein context (NP_000154.1, residues 356-376): KTEESDTDRL[Leu366Arg]SSDHEKSHSN